The following is an entry in ClinVar:

NM_004977.3(KCNC3):c.1563G>A (p.Ala521=)

Gene: KCNC3 (potassium voltage-gated channel subfamily C member 3; minus strand). Cytogenetic location: 19q13.33.
Variant type: single nucleotide variant.
Coding change: c.1563G>A on transcript NM_004977.3 (MANE Select); coding-DNA position 1563, G replaced by A.
Protein change: p.Ala521=; no amino-acid change (alanine 521 retained).
Molecular consequence: synonymous variant.
Genome position (GRCh38, 1-based): chr19:50,323,390, C>T on the plus strand (G>A on the coding strand, the complement: KCNC3 is on the minus strand). VCF-style: chr19-50323390-C-T. GRCh37 (hg19) VCF-style: chr19-50826647-C-T.
Other names: c.1335G>A, p.Ala445= (NM_001372305.1).
Identifiers: ClinVar variation 586081 (VCV000586081.35), dbSNP rs116768044, ClinGen allele CA9594215.

ClinVar aggregate classification (germline): Benign. Review status: criteria provided, multiple submitters, no conflicts (2 of 4 stars). 3 submissions from 3 submitters: Benign (3). Last evaluated 2026-01-27.

Allele frequency attached by ClinVar (database versions not stated): gnomAD 0.00463 and 0.00495; 1000 Genomes Project 0.00519; ESP Exome Variant Server 0.00531; 1000 Genomes Project 30x 0.00547; TOPMed 0.00572.
gnomAD v4.1: 1,417 of 1,614,166 alleles (0.088%); highest among the groups gnomAD compares: African/African-American, 1.5%; 19 homozygotes.

Submissions (3):

Labcorp Genetics (formerly Invitae), Labcorp
Classification: Benign. Last evaluated: 2026-01-27. Review status: criteria provided, single submitter. Criteria: Invitae Variant Classification Sherloc (09022015). Collection method: clinical testing. Allele origin: germline.

CeGaT Center for Human Genetics Tuebingen
Classification: Benign. Last evaluated: 2025-08-01. Review status: criteria provided, single submitter. Criteria: CeGaT Center For Human Genetics Tuebingen Variant Classification Criteria Version 2. Collection method: clinical testing. Allele origin: germline. Affected: yes. Observed: 2 variant alleles.
Comment: KCNC3: BP4, BP7, BS1, BS2

Athena Diagnostics
Classification: Benign. Last evaluated: 2017-09-20. Review status: criteria provided, single submitter. Criteria: Athena Diagnostics Criteria. Collection method: clinical testing. Allele origin: germline.